The following is an entry in ClinVar:

ClinVar aggregate classification (germline): Uncertain significance (1 of 4 stars; one submission).

Conditions:
Intellectual developmental disorder, autosomal dominant 1. Also called: Intellectual disability, autosomal dominant 1; MBD5 Haploinsufficiency. Identifiers: Orphanet 228402, MedGen C1969562, MONDO:0007974, OMIM 156200.

Allele frequency attached by ClinVar (database versions not stated): gnomAD exomes 0.00001 and 0.00002; TOPMed 0.00001; ExAC 0.00001; ESP Exome Variant Server 0.00008.
gnomAD v4.1: 9 of 1,613,944 alleles (0.00056%); highest among the groups gnomAD compares: Non-Finnish European, 0.00076%; no homozygotes.

Submission:

Labcorp Genetics (formerly Invitae), Labcorp
Classification: Uncertain significance for Intellectual developmental disorder, autosomal dominant 1. Last evaluated: 2025-07-28. Review status: criteria provided, single submitter. Criteria: Invitae Variant Classification Sherloc (09022015). Collection method: clinical testing. Allele origin: germline.
Comment: This sequence change replaces threonine, which is neutral and polar, with alanine, which is neutral and non-polar, at codon 664 of the MBD5 protein (p.Thr664Ala). This variant is present in population databases (rs142431261, gnomAD 0.002%). This variant has not been reported in the literature in individuals affected with MBD5-related conditions. ClinVar contains an entry for this variant (Variation ID: 1011780). Invitae Evidence Modeling of protein sequence and biophysical properties (such as structural, functional, and spatial information, amino acid conservation, physicochemical variation, residue mobility, and thermodynamic stability) indicates that this missense variant is not expected to disrupt MBD5 protein function with a negative predictive value of 80%. In summary, the available evidence is currently insufficient to determine the role of this variant in disease. Therefore, it has been classified as a Variant of Uncertain Significance.

NM_001378120.1(MBD5):c.1990A>G (p.Thr664Ala)

Gene: MBD5 (methyl-CpG binding domain protein 5; plus strand). Cytogenetic location: 2q23.1.
Variant type: single nucleotide variant.
Coding change: c.1990A>G on transcript NM_001378120.1 (MANE Select); coding-DNA position 1990, A replaced by G.
Protein change: p.Thr664Ala; replaces threonine 664 with alanine.
Molecular consequence: missense variant.
Genome position (GRCh38, 1-based): chr2:148,469,933, A>G. VCF-style: chr2-148469933-A-G. GRCh37 (hg19) VCF-style: chr2-149227502-A-G.
Other names: c.1990A>G, p.Thr664Ala (NM_018328.5); short protein forms T664A.
Identifiers: ClinVar variation 1011780 (VCV001011780.9), dbSNP rs142431261, ClinGen allele CA1900084.
Genomic context (GRCh38, chr2:148,469,933, plus strand): 5'-CTAAGAGATAAGCTGATGTCTCAGCAAAAAGACGCATTGCGGAAAAGAAAACAACCACCT[A>G]CGACAGTGTTGAGTTTGCTCAGACAGTCTCAAATGGATAGTTCTGCAGTTCCTAAACCTG-3'
Protein context (NP_001365049.1, residues 654-674): DALRKRKQPP[Thr664Ala]TVLSLLRQSQ